The following is an entry in ClinVar:

NM_001197104.2(KMT2A):c.11291A>G (p.His3764Arg)

Genes: KMT2A (lysine methyltransferase 2A; plus strand), TTC36-AS1 (TTC36 and KMT2A antisense RNA 1; minus strand). Cytogenetic location: 11q23.3.
Variant type: single nucleotide variant.
Coding change: c.11291A>G on transcript NM_001197104.2 (MANE Select); coding-DNA position 11291, A replaced by G.
Protein change: p.His3764Arg; replaces histidine 3764 with arginine.
Molecular consequence: missense variant.
Genome position (GRCh38, 1-based): chr11:118,519,762, A>G. VCF-style: chr11-118519762-A-G. GRCh37 (hg19) VCF-style: chr11-118390477-A-G.
Other names: c.11381A>G, p.His3794Arg (NM_001412597.1); c.11282A>G, p.His3761Arg (NM_005933.4); short protein forms H3794R, H3761R, H3764R.
Identifiers: ClinVar variation 2700567 (VCV002700567.3), dbSNP rs2135283791, ClinGen allele CA382833098.
Genomic context (GRCh38, chr11:118,519,762, plus strand): 5'-GAAATTACAAATTCCGTTTCCACAAGCCAGAGGAGGCCAATGAACCCCCCTTGAACCCTC[A>G]CGGCTCAGCCAGGGCTGAAGTCCACCTCAGGCAAGTTCCCTTCTTTTCTGTCAGCAGTTT-3'
Protein context (NP_001184033.1, residues 3754-3774): EEANEPPLNP[His3764Arg]GSARAEVHLR

ClinVar aggregate classification (germline): Uncertain significance (1 of 4 stars; one submission).

Submission:

Labcorp Genetics (formerly Invitae), Labcorp
Classification: Uncertain significance. Last evaluated: 2024-10-14. Review status: criteria provided, single submitter. Criteria: Invitae Variant Classification Sherloc (09022015). Collection method: clinical testing. Allele origin: germline.
Comment: This sequence change replaces histidine, which is basic and polar, with arginine, which is basic and polar, at codon 3764 of the KMT2A protein (p.His3764Arg). This variant is not present in population databases (gnomAD no frequency). This variant has not been reported in the literature in individuals affected with KMT2A-related conditions. Invitae Evidence Modeling of protein sequence and biophysical properties (such as structural, functional, and spatial information, amino acid conservation, physicochemical variation, residue mobility, and thermodynamic stability) indicates that this missense variant is not expected to disrupt KMT2A protein function with a negative predictive value of 95%. In summary, the available evidence is currently insufficient to determine the role of this variant in disease. Therefore, it has been classified as a Variant of Uncertain Significance.